The following is an entry in ClinVar:

NM_000540.3(RYR1):c.4952A>G (p.Glu1651Gly)

Gene: RYR1 (ryanodine receptor 1; plus strand). Cytogenetic location: 19q13.2.
Variant type: single nucleotide variant.
Coding change: c.4952A>G on transcript NM_000540.3 (MANE Select); coding-DNA position 4952, A replaced by G.
Protein change: p.Glu1651Gly; replaces glutamic acid 1651 with glycine.
Molecular consequence: missense variant.
Genome position (GRCh38, 1-based): chr19:38,485,607, A>G. VCF-style: chr19-38485607-A-G. GRCh37 (hg19) VCF-style: chr19-38976247-A-G.
Other names: c.4952A>G, p.Glu1651Gly (NM_001042723.2); short protein forms E1651G.
Identifiers: ClinVar variation 4699272 (VCV004699272.1).
Genomic context (GRCh38, chr19:38,485,607, plus strand): 5'-GGCTCATTCATCTGTCCCTGTCTGTTTCCCACCTCTGCTGCAGGTGCATGGACATCCTGG[A>G]GCTGTCGGAGCGCCTGGACCTGCAGCGCTTCCACTCGCACACCCTGCGCCTCTACCGCGC-3'
Protein context (NP_000531.2, residues 1641-1661): PEENRCMDIL[Glu1651Gly]LSERLDLQRF

ClinVar aggregate classification (germline): Uncertain significance (1 of 4 stars; one submission).

Conditions:
RYR1-related disorder. Also called: RYR1-related condition; RYR1-related disorders. Identifiers: MedGen CN239331.

Submission:

Labcorp Genetics (formerly Invitae), Labcorp
Classification: Uncertain significance for RYR1-related disorder. Last evaluated: 2025-03-25. Review status: criteria provided, single submitter. Criteria: Invitae Variant Classification Sherloc (09022015). Collection method: clinical testing. Allele origin: germline.
Comment: This sequence change replaces glutamic acid, which is acidic and polar, with glycine, which is neutral and non-polar, at codon 1651 of the RYR1 protein (p.Glu1651Gly). This variant is not present in population databases (gnomAD no frequency). This variant has not been reported in the literature in individuals affected with RYR1-related conditions. Invitae Evidence Modeling of protein sequence and biophysical properties (such as structural, functional, and spatial information, amino acid conservation, physicochemical variation, residue mobility, and thermodynamic stability) indicates that this missense variant is expected to disrupt RYR1 protein function with a positive predictive value of 80%. In summary, the available evidence is currently insufficient to determine the role of this variant in disease. Therefore, it has been classified as a Variant of Uncertain Significance.